The following is an entry in ClinVar:

NM_001365951.3(KIF1B):c.4366+5G>A

Gene: KIF1B (kinesin family member 1B; plus strand). Cytogenetic location: 1p36.22.
Variant type: single nucleotide variant.
Coding change: c.4366+5G>A on transcript NM_001365951.3 (MANE Select); 5 bases into the intron after coding-DNA position 4366, G replaced by A.
Molecular consequence: intron variant.
Genome position (GRCh38, 1-based): chr1:10,363,349, G>A. VCF-style: chr1-10363349-G-A. GRCh37 (hg19) VCF-style: chr1-10423407-G-A.
Other names: c.4228+5G>A (NM_015074.3); c.4366+5G>A (NM_001365952.1).
Identifiers: ClinVar variation 4852386 (VCV004852386.1).

ClinVar aggregate classification (germline): Uncertain significance (1 of 4 stars; one submission).

Conditions:
Charcot-Marie-Tooth disease type 2A1. Also called: CHARCOT-MARIE-TOOTH DISEASE, AXONAL, TYPE 2A1; CHARCOT-MARIE-TOOTH DISEASE, AXONAL, AUTOSOMAL DOMINANT, TYPE 2A1; CHARCOT-MARIE-TOOTH DISEASE, NEURONAL, TYPE 2A1; CHARCOT-MARIE-TOOTH NEUROPATHY, TYPE 2A1; HEREDITARY MOTOR AND SENSORY NEUROPATHY IIA1. Identifiers: Orphanet 99946, MedGen C1861678, MONDO:0007308, OMIM 118210.

gnomAD v4.1: 2 of 1,609,386 alleles (0.00012%); highest among the groups gnomAD compares: Non-Finnish European, 0.00017%; no homozygotes.

Submission:

MVZ Medizinische Genetik Mainz
Classification: Uncertain significance for Charcot-Marie-Tooth disease type 2A1. Last evaluated: 2026-04-20. Review status: criteria provided, single submitter. Criteria: UK Practice Guidelines For Variant Classification V4 01 2020. Collection method: clinical testing. Allele origin: germline. Inheritance: Autosomal dominant inheritance. Affected: yes. Observed: 1 variant allele.
Comment: ACMG Criteria: PM2_SUP,PP3